The following is an entry in ClinVar:

NM_001256715.2(DNAAF3):c.904C>A (p.Pro302Thr)

Genes: DNAAF3 (dynein axonemal assembly factor 3; minus strand), DNAAF3-AS1 (DNAAF3 antisense RNA 1; plus strand). Cytogenetic location: 19q13.42.
Variant type: single nucleotide variant.
Coding change: c.904C>A on transcript NM_001256715.2 (MANE Select); coding-DNA position 904, C replaced by A.
Protein change: p.Pro302Thr; replaces proline 302 with threonine.
Molecular consequence: missense variant.
Genome position (GRCh38, 1-based): chr19:55,161,073, G>T on the plus strand (C>A on the coding strand, the complement: DNAAF3 is on the minus strand). VCF-style: chr19-55161073-G-T. GRCh37 (hg19) VCF-style: chr19-55672441-G-T.
Other names: c.1108C>A, p.Pro370Thr (NM_001256714.1); c.742C>A, p.Pro248Thr (NM_001256716.2); c.1045C>A, p.Pro349Thr (NM_178837.4); short protein forms P248T, P302T, P370T, P349T.
Identifiers: ClinVar variation 951158 (VCV000951158.9), dbSNP rs920224734, ClinGen allele CA310153399.

ClinVar aggregate classification (germline): Uncertain significance. Review status: criteria provided, multiple submitters, no conflicts (2 of 4 stars). 2 submissions from 2 submitters: Uncertain significance (2). Last evaluated 2024-10-16.

Conditions:
Primary ciliary dyskinesia. Also called: Ciliary dyskinesia. Identifiers: Orphanet 244, MedGen C0008780, MONDO:0016575, HP:0012265.

Allele frequency attached by ClinVar (database versions not stated): gnomAD exomes 0.00001; TOPMed 0.00005; gnomAD 0.00001.
gnomAD v4.1: 10 of 1,540,770 alleles (0.00065%); highest among the groups gnomAD compares: African/African-American, 0.012%; no homozygotes.

Submissions (2):

Ambry Genetics
Classification: Uncertain significance for Primary ciliary dyskinesia. Last evaluated: 2024-10-16. Review status: criteria provided, single submitter. Criteria: Ambry Variant Classification Scheme 2023. Collection method: clinical testing. Allele origin: germline.

Labcorp Genetics (formerly Invitae), Labcorp
Classification: Uncertain significance for Primary ciliary dyskinesia. Last evaluated: 2021-08-27. Review status: criteria provided, single submitter. Criteria: Invitae Variant Classification Sherloc (09022015). Collection method: clinical testing. Allele origin: germline.
Comment: This sequence change replaces proline with threonine at codon 370 of the DNAAF3 protein (p.Pro370Thr). The proline residue is moderately conserved and there is a small physicochemical difference between proline and threonine. The frequency data for this variant in the population databases is considered unreliable, as metrics indicate insufficient coverage at this position in the ExAC database. This variant has not been reported in the literature in individuals affected with DNAAF3-related conditions. Algorithms developed to predict the effect of missense changes on protein structure and function are either unavailable or do not agree on the potential impact of this missense change (SIFT: "Tolerated"; PolyPhen-2: "Probably Damaging"; Align-GVGD: "Class C0"). In summary, the available evidence is currently insufficient to determine the role of this variant in disease. Therefore, it has been classified as a Variant of Uncertain Significance.